The following is an entry in ClinVar:

ClinVar aggregate classification (germline): Uncertain significance (1 of 4 stars; one submission).

Submission:

Labcorp Genetics (formerly Invitae), Labcorp
Classification: Uncertain significance. Last evaluated: 2024-12-24. Review status: criteria provided, single submitter. Criteria: Invitae Variant Classification Sherloc (09022015). Collection method: clinical testing. Allele origin: germline.
Comment: This sequence change affects codon 19 of the ITGB3 mRNA. It is a 'silent' change, meaning that it does not change the encoded amino acid sequence of the ITGB3 protein. Information on the frequency of this variant in the gnomAD database is not available, as this variant may be reported differently in the database. This variant has not been reported in the literature in individuals affected with ITGB3-related conditions. ClinVar contains an entry for this variant (Variation ID: 2050481). Experimental studies and prediction algorithms are not available or were not evaluated, and the functional significance of this variant is currently unknown. In summary, the available evidence is currently insufficient to determine the role of this variant in disease. Therefore, it has been classified as a Variant of Uncertain Significance.

NM_000212.3(ITGB3):c.57_58delinsTT (p.Ala19_Leu20=)

Gene: ITGB3 (integrin subunit beta 3; plus strand). Cytogenetic location: 17q21.32.
Variant type: Indel.
Coding change: c.57_58delinsTT on transcript NM_000212.3 (MANE Select); coding-DNA positions 57 to 58, GC replaced by TT.
Protein change: p.Ala19_Leu20=.
Molecular consequence: synonymous variant.
Genome position (GRCh38, 1-based): chr17:47,253,918-47,253,919, GC replaced by TT. VCF-style: chr17-47253918-GC-TT. GRCh37 (hg19) VCF-style: chr17-45331284-GC-TT.
Identifiers: ClinVar variation 2050481 (VCV002050481.2), dbSNP rs2547607762, ClinGen allele CA2580094040.
Genomic context (GRCh38, chr17:47,253,918, plus strand): 5'-CGAGATGCGAGCGCGGCCGCGGCCCCGGCCGCTCTGGGCGACTGTGCTGGCGCTGGGGGC[GC>TT]TGGCGGGCGTTGGCGTAGGAGGTGAGTGAGGCTCCGGCTCGGCAGCGTCGCAGCTGCCCC-3'